The following is an entry in ClinVar:

ClinVar aggregate classification (germline): Likely benign. Review status: criteria provided, multiple submitters, no conflicts (2 of 4 stars). 2 submissions from 2 submitters: Likely benign (2). Last evaluated 2024-12-31.

Allele frequency attached by ClinVar (database versions not stated): gnomAD 0.00001; gnomAD exomes 0.00002 and 0.00003; ExAC 0.00003; TOPMed 0.00003.
gnomAD v4.1: 29 of 1,613,606 alleles (0.0018%); highest among the groups gnomAD compares: Middle Eastern, 0.033%; no homozygotes.

Submissions (2):

Athena Diagnostics
Classification: Likely benign. Last evaluated: 2024-12-31. Review status: criteria provided, single submitter. Criteria: Athena Diagnostics Criteria. Collection method: clinical testing. Allele origin: unknown.
Comment: Computational tools yielded predictions that this variant is unlikely to have an effect on normal RNA splicing. This nucleotide position exhibits low evolutionary conservation.

Labcorp Genetics (formerly Invitae), Labcorp
Classification: Likely benign. Last evaluated: 2024-09-22. Review status: criteria provided, single submitter. Criteria: Invitae Variant Classification Sherloc (09022015). Collection method: clinical testing. Allele origin: germline.

NM_005529.7(HSPG2):c.9141C>T (p.Asp3047=)

Gene: HSPG2 (heparan sulfate proteoglycan 2; minus strand). Cytogenetic location: 1p36.12.
Variant type: single nucleotide variant.
Coding change: c.9141C>T on transcript NM_005529.7 (MANE Select); coding-DNA position 9141, C replaced by T.
Protein change: p.Asp3047=; no amino-acid change (aspartic acid 3047 retained).
Molecular consequence: synonymous variant.
Genome position (GRCh38, 1-based): chr1:21,842,054, G>A on the plus strand (C>T on the coding strand, the complement: HSPG2 is on the minus strand). VCF-style: chr1-21842054-G-A. GRCh37 (hg19) VCF-style: chr1-22168547-G-A.
Other names: c.9144C>T, p.Asp3048= (NM_001291860.2).
Identifiers: ClinVar variation 761773 (VCV000761773.7), dbSNP rs751033332, ClinGen allele CA670546.
Genomic context (GRCh38, chr1:21,842,054, plus strand): 5'-TGGCTCACCCTCCAGCTCCTGGTTCCGGGTCTTCCACTCGAGGCTGATGGGGGCTGCCCC[G>A]TCATGGATGAGGCACTTGAAGCTGGCATCCTGGCCCTGCTGCACGGTGCTGCTGGGCGGG-3'
Protein context (NP_005520.4, residues 3037-3057): QDASFKCLIH[Asp3047=]GAAPISLEWK